The following is an entry in ClinVar:

NM_001378414.1(HDAC4):c.1324C>T (p.Pro442Ser)

Gene: HDAC4 (histone deacetylase 4; minus strand). Cytogenetic location: 2q37.3.
Variant type: single nucleotide variant.
Coding change: c.1324C>T on transcript NM_001378414.1 (MANE Select); coding-DNA position 1324, C replaced by T.
Protein change: p.Pro442Ser; replaces proline 442 with serine.
Molecular consequence: missense variant.
Genome position (GRCh38, 1-based): chr2:239,126,665, G>A on the plus strand (C>T on the coding strand, the complement: HDAC4 is on the minus strand). VCF-style: chr2-239126665-G-A. GRCh37 (hg19) VCF-style: chr2-240048361-G-A.
Other names: c.1324C>T, p.Pro442Ser (NM_001378415.1); c.1309C>T, p.Pro437Ser (NM_001378416.1, NM_001378417.1, NM_006037.4); short protein forms P437S, P442S.
Identifiers: ClinVar variation 702713 (VCV000702713.29), dbSNP rs116713765, ClinGen allele CA2199837.

ClinVar aggregate classification (germline): Benign/Likely benign. Review status: criteria provided, multiple submitters, no conflicts (2 of 4 stars). 3 submissions from 3 submitters: Benign (1); Likely benign (1). 1 of the submissions does not count toward it. Last evaluated 2023-02-01.

Conditions:
HDAC4-related disorder. Also called: HDAC4-related condition.

Allele frequency attached by ClinVar (database versions not stated): gnomAD exomes 0.00004 and 0.00022; gnomAD 0.00011 and 0.00014; TOPMed 0.00014; ExAC 0.00020; 1000 Genomes Project 30x 0.00094; 1000 Genomes Project 0.00100.
gnomAD v4.1: 86 of 1,613,930 alleles (0.0053%); highest among the groups gnomAD compares: East Asian, 0.13%; no homozygotes.

Submissions (3):

CeGaT Center for Human Genetics Tuebingen
Classification: Benign. Last evaluated: 2023-02-01. Review status: criteria provided, single submitter. Criteria: CeGaT Center For Human Genetics Tuebingen Variant Classification Criteria Version 2. Collection method: clinical testing. Allele origin: germline. Affected: yes. Observed: 1 variant allele.
Comment: HDAC4: BS1, BS2

Labcorp Genetics (formerly Invitae), Labcorp
Classification: Likely benign. Last evaluated: 2019-12-31. Review status: criteria provided, single submitter. Criteria: Invitae Variant Classification Sherloc (09022015). Collection method: clinical testing. Allele origin: germline.

PreventionGenetics, part of Exact Sciences
Classification: Likely benign for HDAC4-related condition. Last evaluated: 2023-02-25. Review status: no assertion criteria provided. Collection method: clinical testing. Allele origin: germline. Not counted in ClinVar's aggregate classification.
Comment: This variant is classified as likely benign based on ACMG/AMP sequence variant interpretation guidelines (Richards et al. 2015 PMID: 25741868, with internal and published modifications).